The following is an entry in ClinVar:

NM_001109809.5(ZFP57):c.56G>A (p.Gly19Asp)

Gene: ZFP57 (ZFP57 zinc finger protein; minus strand). Cytogenetic location: 6p22.1.
Variant type: single nucleotide variant.
Coding change: c.56G>A on transcript NM_001109809.5 (MANE Select); coding-DNA position 56, G replaced by A.
Protein change: p.Gly19Asp; replaces glycine 19 with aspartic acid.
Molecular consequence: missense variant. On other transcripts: intron variant (1).
Genome position (GRCh38, 1-based): chr6:29,676,948, C>T on the plus strand (G>A on the coding strand, the complement: ZFP57 is on the minus strand). VCF-style: chr6-29676948-C-T. GRCh37 (hg19) VCF-style: chr6-29644725-C-T.
Other names: c.-93-889G>A (NM_001366333.2); short protein forms G19D.
Identifiers: ClinVar variation 437334 (VCV000437334.10), dbSNP rs371500990, ClinGen allele CA3690914.

ClinVar aggregate classification (germline): Conflicting classifications of pathogenicity. Review status: criteria provided, conflicting classifications (1 of 4 stars). 3 submissions from 3 submitters: Uncertain significance (2); Likely benign (1). Last evaluated 2024-08-05.

Conditions:
Inborn genetic diseases. Identifiers: MedGen C0950123, MeSH D030342.

Allele frequency attached by ClinVar (database versions not stated): gnomAD exomes 0.00003 and 0.00005; ExAC 0.00006; gnomAD 0.00017 and 0.00019; TOPMed 0.00024; ESP Exome Variant Server 0.00025.
gnomAD v4.1: 69 of 1,614,106 alleles (0.0043%); highest among the groups gnomAD compares: African/African-American, 0.083%; 1 homozygote.

Submissions (3):

Ambry Genetics
Classification: Likely benign for Inborn genetic diseases. Last evaluated: 2024-08-05. Review status: criteria provided, single submitter. Criteria: Ambry Variant Classification Scheme 2023. Collection method: clinical testing. Allele origin: germline.

Labcorp Genetics (formerly Invitae), Labcorp
Classification: Uncertain significance. Last evaluated: 2021-12-13. Review status: criteria provided, single submitter. Criteria: Invitae Variant Classification Sherloc (09022015). Collection method: clinical testing. Allele origin: germline.
Comment: This sequence change replaces glycine, which is neutral and non-polar, with aspartic acid, which is acidic and polar, at codon 19 of the ZFP57 protein (p.Gly19Asp). This variant is present in population databases (rs371500990, gnomAD 0.08%). This variant has not been reported in the literature in individuals affected with ZFP57-related conditions. ClinVar contains an entry for this variant (Variation ID: 437334). Algorithms developed to predict the effect of missense changes on protein structure and function output the following: SIFT: "Not Available"; PolyPhen-2: "Benign"; Align-GVGD: "Not Available". The aspartic acid amino acid residue is found in multiple mammalian species, which suggests that this missense change does not adversely affect protein function. In summary, the available evidence is currently insufficient to determine the role of this variant in disease. Therefore, it has been classified as a Variant of Uncertain Significance.

Genetic Services Laboratory, University of Chicago
Classification: Uncertain significance. Last evaluated: 2016-06-16. Review status: criteria provided, single submitter. Criteria: ACMG Guidelines, 2015. Collection method: clinical testing. Allele origin: germline. Affected: no.